The following is an entry in ClinVar:

NM_001130823.3(DNMT1):c.1885A>G (p.Arg629Gly)

Gene: DNMT1 (DNA methyltransferase 1; minus strand). Cytogenetic location: 19p13.2.
Variant type: single nucleotide variant.
Coding change: c.1885A>G on transcript NM_001130823.3 (MANE Select); coding-DNA position 1885, A replaced by G.
Protein change: p.Arg629Gly; replaces arginine 629 with glycine.
Molecular consequence: missense variant.
Genome position (GRCh38, 1-based): chr19:10,154,427, T>C on the plus strand (A>G on the coding strand, the complement: DNMT1 is on the minus strand). VCF-style: chr19-10154427-T-C. GRCh37 (hg19) VCF-style: chr19-10265103-T-C.
Other names: c.1837A>G, p.Arg613Gly (NM_001318730.2, NM_001379.4); c.1522A>G, p.Arg508Gly (NM_001318731.2); short protein forms R508G, R613G, R629G.
Identifiers: ClinVar variation 4807935 (VCV004807935.1).

ClinVar aggregate classification (germline): Uncertain significance (1 of 4 stars; one submission).

Conditions:
Hereditary sensory neuropathy-deafness-dementia syndrome. Also called: Hereditary sensory neuropathy type IE; HSN IE; NEUROPATHY, HEREDITARY SENSORY, WITH HEARING LOSS AND DEMENTIA; Hereditary Sensory and Autonomic Neuropathy Type 1E (HSAN1E). Identifiers: Orphanet 456318, MedGen C3279885, MONDO:0013584, OMIM 614116.

gnomAD v4.1: 5 of 1,614,258 alleles (0.00031%); highest among the groups gnomAD compares: Non-Finnish European, 0.00042%; no homozygotes.

Submission:

Labcorp Genetics (formerly Invitae), Labcorp
Classification: Uncertain significance for Hereditary sensory neuropathy-deafness-dementia syndrome. Last evaluated: 2025-07-19. Review status: criteria provided, single submitter. Criteria: Invitae Variant Classification Sherloc (09022015). Collection method: clinical testing. Allele origin: germline.
Comment: This sequence change replaces arginine, which is basic and polar, with glycine, which is neutral and non-polar, at codon 629 of the DNMT1 protein (p.Arg629Gly). This variant is not present in population databases (gnomAD no frequency). This variant has not been reported in the literature in individuals affected with DNMT1-related conditions. Invitae Evidence Modeling of protein sequence and biophysical properties (such as structural, functional, and spatial information, amino acid conservation, physicochemical variation, residue mobility, and thermodynamic stability) indicates that this missense variant is not expected to disrupt DNMT1 protein function with a negative predictive value of 80%. In summary, the available evidence is currently insufficient to determine the role of this variant in disease. Therefore, it has been classified as a Variant of Uncertain Significance.